The following is an entry in ClinVar:

NM_002439.5(MSH3):c.1764-13T>C

Gene: MSH3 (mutS homolog 3; plus strand). Cytogenetic location: 5q14.1.
Variant type: single nucleotide variant.
Coding change: c.1764-13T>C on transcript NM_002439.5 (MANE Select); 13 bases into the intron before coding-DNA position 1764, T replaced by C.
Molecular consequence: intron variant.
Genome position (GRCh38, 1-based): chr5:80,761,533, T>C. VCF-style: chr5-80761533-T-C. GRCh37 (hg19) VCF-style: chr5-80057352-T-C.
Identifiers: ClinVar variation 2023596 (VCV002023596.5), dbSNP rs1407463042, ClinGen allele CA1077983534.

ClinVar aggregate classification (germline): Conflicting classifications of pathogenicity. Review status: criteria provided, conflicting classifications (1 of 4 stars). 2 submissions from 2 submitters: Uncertain significance (1); Likely benign (1). Last evaluated 2025-10-01.

gnomAD v4.1: 1 of 1,613,752 alleles (0.000062%); highest among the groups gnomAD compares: Non-Finnish European, 0.000085%; no homozygotes.

Submissions (2):

Labcorp Genetics (formerly Invitae), Labcorp
Classification: Likely benign. Last evaluated: 2025-10-01. Review status: criteria provided, single submitter. Criteria: Invitae Variant Classification Sherloc (09022015). Collection method: clinical testing. Allele origin: germline.

GeneDx
Classification: Uncertain significance. Last evaluated: 2024-06-06. Review status: criteria provided, single submitter. Criteria: GeneDx Variant Classification Process June 2021. Collection method: clinical testing. Allele origin: germline. Affected: yes.
Comment: Not observed at significant frequency in large population cohorts (gnomAD); In silico analysis indicates that this variant does not alter splicing; Has not been previously published as pathogenic or benign to our knowledge